The following is an entry in ClinVar:

ClinVar aggregate classification (germline): Likely benign. Review status: criteria provided, multiple submitters, no conflicts (2 of 4 stars). 4 submissions from 4 submitters: Likely benign (3). 1 of the submissions does not count toward it. Last evaluated 2026-06-22.

Conditions:
CNGB3-related disorder. Also called: CNGB3-related disorders; CNGB3-related condition. Identifiers: MedGen CN239340.
Achromatopsia. Also called: Rod monochromatism. Identifiers: Orphanet 49382, MedGen C0152200, MONDO:0018852, HP:0011516.

Allele frequency attached by ClinVar (database versions not stated): ExAC 0.00002; gnomAD 0.00003; gnomAD exomes 0.00004.
gnomAD v4.1: 66 of 1,604,284 alleles (0.0041%); highest among the groups gnomAD compares: Non-Finnish European, 0.005%; no homozygotes.

Submissions (4):

PreventionGenetics, part of Exact Sciences
Classification: Likely benign for CNGB3-related condition. Last evaluated: 2026-06-22. Review status: criteria provided, single submitter. Criteria: ACMG Guidelines, 2015. Collection method: clinical testing. Allele origin: germline.
Comment: This variant is classified as likely benign based on ACMG/AMP sequence variant interpretation guidelines (Richards et al. 2015 PMID: 25741868, with internal and published modifications).

Labcorp Genetics (formerly Invitae), Labcorp
Classification: Likely benign. Last evaluated: 2026-01-24. Review status: criteria provided, single submitter. Criteria: Invitae Variant Classification Sherloc (09022015). Collection method: clinical testing. Allele origin: germline.

Blueprint Genetics
Classification: Likely benign. Last evaluated: 2022-03-03. Review status: criteria provided, single submitter. Criteria: ACMG Guidelines, 2015. Collection method: clinical testing. Allele origin: germline.

Natera, Inc.
Classification: Likely benign for Achromatopsia. Last evaluated: 2020-01-10. Review status: no assertion criteria provided. Collection method: clinical testing. Allele origin: germline. Not counted in ClinVar's aggregate classification.

NM_019098.5(CNGB3):c.183G>A (p.Thr61=)

Gene: CNGB3 (cyclic nucleotide gated channel subunit beta 3; minus strand). Cytogenetic location: 8q21.3.
Variant type: single nucleotide variant.
Coding change: c.183G>A on transcript NM_019098.5 (MANE Select); coding-DNA position 183, G replaced by A.
Protein change: p.Thr61=; no amino-acid change (threonine 61 retained).
Molecular consequence: synonymous variant.
Genome position (GRCh38, 1-based): chr8:86,739,683, C>T on the plus strand (G>A on the coding strand, the complement: CNGB3 is on the minus strand). VCF-style: chr8-86739683-C-T. GRCh37 (hg19) VCF-style: chr8-87751911-C-T.
Other names: c.183G>A (NM_019098.4).
Identifiers: ClinVar variation 1091136 (VCV001091136.12), dbSNP rs767130603, ClinGen allele CA4800504.
Genomic context (GRCh38, chr8:86,739,683, plus strand): 5'-TTTTTTTTTTTTTTTTCAGACTGCATTCTGACCTTGTATGTTGGTGTGTGGCTCTTCAGA[C>T]GTGACTGGAGTTGACTTGGTTTTGAGAGATTTCTCTTCACCTTTGTTTTCTTCCTTTGAG-3'
Protein context (NP_061971.3, residues 51-71): KSLKTKSTPV[Thr61=]SEEPHTNIQD